The following is an entry in ClinVar:

NM_152641.4(ARID2):c.3370C>G (p.Gln1124Glu)

Gene: ARID2 (AT-rich interaction domain 2; plus strand). Cytogenetic location: 12q12.
Variant type: single nucleotide variant.
Coding change: c.3370C>G on transcript NM_152641.4 (MANE Select); coding-DNA position 3370, C replaced by G.
Protein change: p.Gln1124Glu; replaces glutamine 1124 with glutamic acid.
Molecular consequence: missense variant.
Genome position (GRCh38, 1-based): chr12:45,851,493, C>G. VCF-style: chr12-45851493-C-G. GRCh37 (hg19) VCF-style: chr12-46245276-C-G.
Other names: c.3370C>G, p.Gln1124Glu (NM_001347839.2); short protein forms Q1124E.
Identifiers: ClinVar variation 1308200 (VCV001308200.2), dbSNP rs746105658, ClinGen allele CA384485234.

ClinVar aggregate classification (germline): Uncertain significance (1 of 4 stars; one submission).

Allele frequency attached by ClinVar (database versions not stated): TOPMed below 0.00001.
gnomAD v4.1: 2 of 1,614,112 alleles (0.00012%); highest among the groups gnomAD compares: African/African-American, 0.0027%; no homozygotes.

Submission:

GeneDx
Classification: Uncertain significance. Last evaluated: 2019-09-05. Review status: criteria provided, single submitter. Criteria: GeneDx Variant Classification Process June 2021. Collection method: clinical testing. Allele origin: germline. Affected: yes.
Comment: Not observed in large population cohorts (Lek et al., 2016); In silico analysis, which includes protein predictors and evolutionary conservation, supports that this variant does not alter protein structure/function; Has not been previously published as pathogenic or benign to our knowledge